The following is an entry in ClinVar:

NM_001014987.2(LAT):c.359C>T (p.Ala120Val)

Gene: LAT (linker for activation of T cells; plus strand). Cytogenetic location: 16p11.2.
Variant type: single nucleotide variant.
Coding change: c.359C>T on transcript NM_001014987.2 (MANE Select); coding-DNA position 359, C replaced by T.
Protein change: p.Ala120Val; replaces alanine 120 with valine.
Molecular consequence: missense variant.
Genome position (GRCh38, 1-based): chr16:28,986,675, C>T. VCF-style: chr16-28986675-C-T. GRCh37 (hg19) VCF-style: chr16-28997996-C-T.
Other names: c.356C>T, p.Ala119Val (NM_001014988.2); c.467C>T, p.Ala156Val (NM_001014989.2); c.446C>T, p.Ala149Val (NM_014387.4); short protein forms A120V, A119V, A149V, A156V.
Identifiers: ClinVar variation 2148957 (VCV002148957.4), dbSNP rs371341265, ClinGen allele CA7989975.

ClinVar aggregate classification (germline): Uncertain significance (1 of 4 stars; one submission).

Allele frequency attached by ClinVar (database versions not stated): gnomAD exomes 0.00001; ExAC 0.00002; gnomAD 0.00005; TOPMed 0.00007; ESP Exome Variant Server 0.00008.

Submission:

Labcorp Genetics (formerly Invitae), Labcorp
Classification: Uncertain significance. Last evaluated: 2022-02-20. Review status: criteria provided, single submitter. Criteria: Invitae Variant Classification Sherloc (09022015). Collection method: clinical testing. Allele origin: germline.
Comment: This sequence change replaces alanine, which is neutral and non-polar, with valine, which is neutral and non-polar, at codon 120 of the LAT protein (p.Ala120Val). In summary, the available evidence is currently insufficient to determine the role of this variant in disease. Therefore, it has been classified as a Variant of Uncertain Significance. Algorithms developed to predict the effect of missense changes on protein structure and function output the following: SIFT: "Tolerated"; PolyPhen-2: "Benign"; Align-GVGD: "Class C0". The valine amino acid residue is found in multiple mammalian species, which suggests that this missense change does not adversely affect protein function. This variant has not been reported in the literature in individuals affected with LAT-related conditions. This variant is present in population databases (rs371341265, gnomAD 0.01%).